The following is an entry in ClinVar:

ClinVar aggregate classification (germline): Uncertain significance (1 of 4 stars; one submission).

Submission:

Labcorp Genetics (formerly Invitae), Labcorp
Classification: Uncertain significance. Last evaluated: 2025-01-13. Review status: criteria provided, single submitter. Criteria: Invitae Variant Classification Sherloc (09022015). Collection method: clinical testing. Allele origin: germline.
Comment: This variant occurs in a non-coding region of the HR gene. It does not change the encoded amino acid sequence of the HR protein. This variant is present in population databases (rs533784015, gnomAD 0.1%). This variant has not been reported in the literature in individuals affected with HR-related conditions. Experimental studies and prediction algorithms are not available or were not evaluated, and the functional significance of this variant is currently unknown. In summary, the available evidence is currently insufficient to determine the role of this variant in disease. Therefore, it has been classified as a Variant of Uncertain Significance.

NM_005144.5(HR):c.-241C>A

Genes: HR (HR lysine demethylase and nuclear receptor corepressor; minus strand), HRURF (HR upstream open reading frame; minus strand). Cytogenetic location: 8p21.3.
Variant type: single nucleotide variant.
Coding change: c.-241C>A on transcript NM_005144.5 (MANE Select); 241 bases upstream of the start codon, C replaced by A.
Molecular consequence: 5 prime UTR variant. On other transcripts: synonymous variant (1).
Genome position (GRCh38, 1-based): chr8:22,130,628, G>T on the plus strand (C>A on the coding strand, the complement: HR is on the minus strand). VCF-style: chr8-22130628-G-T. GRCh37 (hg19) VCF-style: chr8-21988141-G-T.
Other names: c.81C>A, p.Ser27= (NM_001394132.1); c.-241C>A (NM_018411.4).
Identifiers: ClinVar variation 3699457 (VCV003699457.2).
Genomic context (GRCh38, chr8:22,130,628, plus strand): 5'-CTCGCGCTCTCCTTCCCCCGGGGCGGCGGGGGCGCTCTAGGGCCGCAGGTTGGAGGGGTC[G>T]GACTCCGGGATCTGCAGGATGCGGCACACGGCGCGGATCGGCCGCACCAGCTTCTGGGCC-3'